The following is an entry in ClinVar:

ClinVar aggregate classification (germline): Conflicting classifications of pathogenicity. Review status: criteria provided, conflicting classifications (1 of 4 stars). 2 submissions from 2 submitters: Likely pathogenic (1); Uncertain significance (1). Last evaluated 2022-05-04.

Conditions:
Adams-Oliver syndrome 5 (AOS5). Identifiers: Orphanet 974, MedGen C4014970, MONDO:0014459, OMIM 616028.
NOTCH1-related disorder. Also called: NOTCH1-related condition; NOTCH1-related disorders.

Submissions (2):

Labcorp Genetics (formerly Invitae), Labcorp
Classification: Uncertain significance for Adams-Oliver syndrome 5. Last evaluated: 2022-05-04. Review status: criteria provided, single submitter. Criteria: Invitae Variant Classification Sherloc (09022015). Collection method: clinical testing. Allele origin: germline.
Comment: In summary, the available evidence is currently insufficient to determine the role of this variant in disease. Therefore, it has been classified as a Variant of Uncertain Significance. Algorithms developed to predict the effect of missense changes on protein structure and function (SIFT, PolyPhen-2, Align-GVGD) all suggest that this variant is likely to be disruptive. This sequence change replaces glutamic acid, which is acidic and polar, with lysine, which is basic and polar, at codon 455 of the NOTCH1 protein (p.Glu455Lys). This variant is not present in population databases (gnomAD no frequency). This variant has not been reported in the literature in individuals affected with NOTCH1-related conditions.

Blueprint Genetics
Classification: Likely pathogenic for NOTCH1-related disorders. Last evaluated: 2020-05-07. Review status: criteria provided, single submitter. Criteria: ACMG Guidelines, 2015. Collection method: clinical testing. Allele origin: de novo. Affected: yes. Observed: 1 variant allele.

NM_017617.5(NOTCH1):c.1363G>A (p.Glu455Lys)

Gene: NOTCH1 (notch receptor 1; minus strand). Cytogenetic location: 9q34.3.
Variant type: single nucleotide variant.
Coding change: c.1363G>A on transcript NM_017617.5 (MANE Select); coding-DNA position 1363, G replaced by A.
Protein change: p.Glu455Lys; replaces glutamic acid 455 with lysine.
Molecular consequence: missense variant.
Genome position (GRCh38, 1-based): chr9:136,517,830, C>T on the plus strand (G>A on the coding strand, the complement: NOTCH1 is on the minus strand). VCF-style: chr9-136517830-C-T. GRCh37 (hg19) VCF-style: chr9-139412282-C-T.
Other names: short protein forms E455K.
Identifiers: ClinVar variation 2133439 (VCV002133439.5), dbSNP rs1554729950, ClinGen allele CA375563073.